The following is an entry in ClinVar:

NM_001277115.2(DNAH11):c.7441-1G>C

Gene: DNAH11 (dynein axonemal heavy chain 11; plus strand). Cytogenetic location: 7p15.3.
Variant type: single nucleotide variant.
Coding change: c.7441-1G>C on transcript NM_001277115.2 (MANE Select); the canonical splice acceptor site of the intron before coding-DNA position 7441, G replaced by C.
Molecular consequence: splice acceptor variant.
Genome position (GRCh38, 1-based): chr7:21,735,639, G>C. VCF-style: chr7-21735639-G-C. GRCh37 (hg19) VCF-style: chr7-21775257-G-C.
Identifiers: ClinVar variation 1012303 (VCV001012303.2), dbSNP rs2128489042, ClinGen allele CA366948094.

ClinVar aggregate classification (germline): Pathogenic. Review status: criteria provided, multiple submitters, no conflicts (2 of 4 stars). 2 submissions from 2 submitters: Pathogenic (2). Last evaluated 2025-02-14.

Conditions:
Primary ciliary dyskinesia 7. Also called: CILIARY DYSKINESIA, PRIMARY, 7, WITH OR WITHOUT SITUS INVERSUS. Identifiers: Orphanet 244, MedGen C2678473, MONDO:0012748, OMIM 611884.

gnomAD v4.1: 1 of 1,575,574 alleles (0.000063%); highest among the groups gnomAD compares: Non-Finnish European, 0.000086%; no homozygotes.

Submissions (2):

Broad Center for Mendelian Genomics, Broad Institute of MIT and Harvard
Classification: Pathogenic for Primary ciliary dyskinesia 7. Last evaluated: 2025-02-14. Review status: criteria provided, single submitter. Criteria: ACMG Guidelines, 2015. Collection method: curation. Allele origin: germline. Inheritance: Autosomal recessive inheritance.
Comment: The c.7441-1G>C variant in DNAH11 has been reported, in the compound heterozygous state, in 1 individual with primary ciliary dyskinesia (Variation ID: 1012304; PMID: 33942430), and has been identified in 0.00009% (1/1159062) of European (non-Finnish) chromosomes by the Genome Aggregation Database (gnomAD; dbSNP ID: rs2128489042). Although this variant has been seen in the general population in a heterozygous state, its frequency is low enough to be consistent with a recessive carrier frequency. This variant is located in the 5' splice region. SpliceAI predictions indicate use of an out-of-frame cryptic splice site 4 bases from the intron-exon boundary, providing evidence that this variant may cause a frameshift and lead to a premature termination codon downstream. This alteration is then predicted to lead to a truncated or absent protein. However, this information is not predictive enough to determine pathogenicity. Loss of function of the DNAH11 gene is an established disease mechanism in autosomal recessive primary ciliary dyskinesia. In summary, this variant meets criteria to be classified as pathogenic for autosomal recessive primary ciliary dyskinesia. ACMG/AMP Criteria applied: PVS1, PM3, PM2_supporting (Richards 2015).

Beijing Key Laboratry for Genetics of Birth Defects, Beijing Children's Hospital
Classification: Pathogenic for Primary ciliary dyskinesia 7. Last evaluated: 2020-12-20. Review status: criteria provided, single submitter. Criteria: ACMG Guidelines, 2015. Collection method: clinical testing. Allele origin: germline. Affected: yes. Observed: 1 variant allele.